The following is an entry in ClinVar:

ClinVar aggregate classification (germline): Uncertain significance (1 of 4 stars; one submission).

Conditions:
ENHANCED S-CONE SYNDROME 1 (ESCS1). Also called: RETINOSCHISIS WITH EARLY HEMERALOPIA; FAVRE HYALOIDEORETINAL DEGENERATION. Identifiers: MedGen CN380299, OMIM 268100.

Submission:

Myriad Genetics, Inc.
Classification: Uncertain significance for ENHANCED S-CONE SYNDROME 1. Last evaluated: 2025-10-22. Review status: criteria provided, single submitter. Criteria: Myriad Autosomal Dominant, Autosomal Recessive and X-Linked Classification Criteria (2023). Collection method: clinical testing. Allele origin: unknown.
Comment: NM_014249.2(NR2E3):c.572-69G>T is an intronic variant classified as a variant of uncertain significance in the context of enhanced S-cone syndrome. c.572-69G>T has not been observed in cases with relevant disease. Relevant functional assessments of this variant are not available in the literature. c.572-69G>T has not been observed in referenced population frequency databases. In summary, there is insufficient evidence to classify NM_014249.2(NR2E3):c.572-69G>T as pathogenic or benign. Please note: this variant was assessed in the context of healthy population screening.

NM_014249.4(NR2E3):c.572-69G>T

Gene: NR2E3 (nuclear receptor subfamily 2 group E member 3; plus strand). Cytogenetic location: 15q23.
Variant type: single nucleotide variant.
Coding change: c.572-69G>T on transcript NM_014249.4 (MANE Select); 69 bases into the intron before coding-DNA position 572, G replaced by T.
Molecular consequence: intron variant.
Genome position (GRCh38, 1-based): chr15:71,812,267, G>T. VCF-style: chr15-71812267-G-T. GRCh37 (hg19) VCF-style: chr15-72104607-G-T.
Other names: c.572-69G>T (NM_016346.4).
Identifiers: ClinVar variation 5003561 (VCV005003561.1).
Genomic context (GRCh38, chr15:71,812,267, plus strand): 5'-GGGCTTGGCTTCCCGGGTCACAGCAGGGCTGCAGCGCCTTGCCTTGATCCTCCCTCCCCC[G>T]GGGCTCCAAGTACTCCCTGCCACCTCCCGAGAAGCAGGCGCTAAGATCACAACCTCCTCC-3'